The following is an entry in ClinVar:

NM_017849.4(TMEM127):c.307G>A (p.Gly103Ser)

Gene: TMEM127 (transmembrane protein 127; minus strand). Cytogenetic location: 2q11.2.
Variant type: single nucleotide variant.
Coding change: c.307G>A on transcript NM_017849.4 (MANE Select); coding-DNA position 307, G replaced by A.
Protein change: p.Gly103Ser; replaces glycine 103 with serine.
Molecular consequence: missense variant.
Genome position (GRCh38, 1-based): chr2:96,254,935, C>T on the plus strand (G>A on the coding strand, the complement: TMEM127 is on the minus strand). VCF-style: chr2-96254935-C-T. GRCh37 (hg19) VCF-style: chr2-96920673-C-T.
Other names: c.307G>A, p.Gly103Ser (NM_001193304.3); c.307G>A (NM_017849.3); short protein forms G103S.
Identifiers: ClinVar variation 1510489 (VCV001510489.9), dbSNP rs2104287545, ClinGen allele CA347653506.

ClinVar aggregate classification (germline): Uncertain significance. Review status: criteria provided, multiple submitters, no conflicts (2 of 4 stars). 2 submissions from 2 submitters: Uncertain significance (2). Last evaluated 2024-12-20.

Conditions:
Hereditary pheochromocytoma and paraganglioma. Also called: Hereditary paragangliomas and pheochromocytomas; Hereditary Paraganglioma-Pheochromocytoma Syndromes; Hereditary pheochromocytoma-paraganglioma. Identifiers: Orphanet 29072, MedGen C4274332, MONDO:0017366.
Hereditary cancer-predisposing syndrome. Also called: Tumor predisposition; Hereditary Cancer Syndrome; Hereditary neoplastic syndrome; Neoplastic Syndromes, Hereditary. Identifiers: Orphanet 140162, MedGen C0027672, MeSH D009386, MONDO:0015356.

Submissions (2):

Ambry Genetics
Classification: Uncertain significance for Hereditary cancer-predisposing syndrome. Last evaluated: 2024-12-20. Review status: criteria provided, single submitter. Criteria: Ambry Variant Classification Scheme 2023. Collection method: clinical testing. Allele origin: germline.
Comment: The p.G103S variant (also known as c.307G>A), located in coding exon 2 of the TMEM127 gene, results from a G to A substitution at nucleotide position 307. The glycine at codon 103 is replaced by serine, an amino acid with similar properties. This amino acid position is conserved. In addition, this alteration is predicted to be deleterious by in silico analysis. Based on the available evidence, the clinical significance of this variant remains unclear.

Labcorp Genetics (formerly Invitae), Labcorp
Classification: Uncertain significance for Hereditary pheochromocytoma and paraganglioma. Last evaluated: 2021-02-15. Review status: criteria provided, single submitter. Criteria: Invitae Variant Classification Sherloc (09022015). Collection method: clinical testing. Allele origin: germline.
Comment: This variant has not been reported in the literature in individuals with TMEM127-related conditions. In summary, the available evidence is currently insufficient to determine the role of this variant in disease. Therefore, it has been classified as a Variant of Uncertain Significance. Algorithms developed to predict the effect of missense changes on protein structure and function are either unavailable or do not agree on the potential impact of this missense change (SIFT: "Deleterious"; PolyPhen-2: "Benign"; Align-GVGD: "Class C55"). This variant is not present in population databases (ExAC no frequency). This sequence change replaces glycine with serine at codon 103 of the TMEM127 protein (p.Gly103Ser). The glycine residue is highly conserved and there is a small physicochemical difference between glycine and serine.